The following is an entry in ClinVar:

ClinVar aggregate classification (germline): Uncertain significance. Review status: criteria provided, multiple submitters, no conflicts (2 of 4 stars). 2 submissions from 2 submitters: Uncertain significance (2). Last evaluated 2022-12-03.

Conditions:
MHC class I deficiency. Identifiers: Orphanet 34592, MedGen C6024714, MONDO:0011476.

Allele frequency attached by ClinVar (database versions not stated): gnomAD 0.00001; gnomAD exomes 0.00001; TOPMed 0.00001.
gnomAD v4.1: 11 of 1,611,162 alleles (0.00068%); highest among the groups gnomAD compares: East Asian, 0.0022%; no homozygotes.

Submissions (2):

Labcorp Genetics (formerly Invitae), Labcorp
Classification: Uncertain significance for MHC class I deficiency 1. Last evaluated: 2022-12-03. Review status: criteria provided, single submitter. Criteria: Invitae Variant Classification Sherloc (09022015). Collection method: clinical testing. Allele origin: germline.
Comment: This sequence change replaces arginine, which is basic and polar, with histidine, which is basic and polar, at codon 353 of the TAPBP protein (p.Arg353His). This variant is not present in population databases (gnomAD no frequency). This variant has not been reported in the literature in individuals affected with TAPBP-related conditions. Algorithms developed to predict the effect of missense changes on protein structure and function output the following: SIFT: "Deleterious"; PolyPhen-2: "Benign"; Align-GVGD: "Class C0". The histidine amino acid residue is found in multiple mammalian species, which suggests that this missense change does not adversely affect protein function. In summary, the available evidence is currently insufficient to determine the role of this variant in disease. Therefore, it has been classified as a Variant of Uncertain Significance.

Ambry Genetics
Classification: Uncertain significance. Last evaluated: 2022-07-21. Review status: criteria provided, single submitter. Criteria: Ambry Variant Classification Scheme 2023. Collection method: clinical testing. Allele origin: germline.

NM_003190.5(TAPBP):c.1058G>A (p.Arg353His)

Gene: TAPBP (TAP binding protein; minus strand). Cytogenetic location: 6p21.32.
Variant type: single nucleotide variant.
Coding change: c.1058G>A on transcript NM_003190.5 (MANE Select); coding-DNA position 1058, G replaced by A.
Protein change: p.Arg353His; replaces arginine 353 with histidine.
Molecular consequence: missense variant.
Genome position (GRCh38, 1-based): chr6:33,304,449, C>T on the plus strand (G>A on the coding strand, the complement: TAPBP is on the minus strand). VCF-style: chr6-33304449-C-T. GRCh37 (hg19) VCF-style: chr6-33272226-C-T.
Other names: c.1058G>A, p.Arg353His (NM_001410875.1, NM_172208.3); c.797G>A, p.Arg266His (NM_172209.3); short protein forms R353H, R266H.
Identifiers: ClinVar variation 1944022 (VCV001944022.6), dbSNP rs1768805578, ClinGen allele CA363688873.